The following is an entry in ClinVar:

ClinVar aggregate classification (germline): Uncertain significance (1 of 4 stars; one submission).

Submission:

Labcorp Genetics (formerly Invitae), Labcorp
Classification: Uncertain significance. Last evaluated: 2022-04-01. Review status: criteria provided, single submitter. Criteria: Invitae Variant Classification Sherloc (09022015). Collection method: clinical testing. Allele origin: germline.
Comment: This sequence change replaces serine, which is neutral and polar, with phenylalanine, which is neutral and non-polar, at codon 1362 of the CACNA1B protein (p.Ser1362Phe). In summary, the available evidence is currently insufficient to determine the role of this variant in disease. Therefore, it has been classified as a Variant of Uncertain Significance. Advanced modeling of protein sequence and biophysical properties (such as structural, functional, and spatial information, amino acid conservation, physicochemical variation, residue mobility, and thermodynamic stability) performed at Invitae indicates that this missense variant is expected to disrupt CACNA1B protein function. This variant has not been reported in the literature in individuals affected with CACNA1B-related conditions. This variant is not present in population databases (gnomAD no frequency).

NM_000718.4(CACNA1B):c.4085C>T (p.Ser1362Phe)

Gene: CACNA1B (calcium voltage-gated channel subunit alpha1 B; plus strand). Cytogenetic location: 9q34.3.
Variant type: single nucleotide variant.
Coding change: c.4085C>T on transcript NM_000718.4 (MANE Select); coding-DNA position 4085, C replaced by T.
Protein change: p.Ser1362Phe; replaces serine 1362 with phenylalanine.
Molecular consequence: missense variant.
Genome position (GRCh38, 1-based): chr9:138,057,848, C>T. VCF-style: chr9-138057848-C-T. GRCh37 (hg19) VCF-style: chr9-140952300-C-T.
Other names: c.4085C>T, p.Ser1362Phe (NM_001243812.2); short protein forms S1362F.
Identifiers: ClinVar variation 1963570 (VCV001963570.3), dbSNP rs2539456259, ClinGen allele CA375813612.